The following is an entry in ClinVar:

ClinVar aggregate classification (germline): Uncertain significance (1 of 4 stars; one submission).

Submission:

GeneDx
Classification: Uncertain significance. Last evaluated: 2023-11-01. Review status: criteria provided, single submitter. Criteria: GeneDx Variant Classification Process June 2021. Collection method: clinical testing. Allele origin: germline. Affected: yes.
Comment: Not observed at significant frequency in large population cohorts (gnomAD); In silico analysis supports that this missense variant has a deleterious effect on protein structure/function; Has not been previously published as pathogenic or benign to our knowledge

NM_000283.4(PDE6B):c.1169A>G (p.Asn390Ser)

Gene: PDE6B (phosphodiesterase 6B; plus strand). Cytogenetic location: 4p16.3.
Variant type: single nucleotide variant.
Coding change: c.1169A>G on transcript NM_000283.4 (MANE Select); coding-DNA position 1169, A replaced by G.
Protein change: p.Asn390Ser; replaces asparagine 390 with serine.
Molecular consequence: missense variant.
Genome position (GRCh38, 1-based): chr4:656,935, A>G. VCF-style: chr4-656935-A-G. GRCh37 (hg19) VCF-style: chr4-650724-A-G.
Other names: c.1169A>G, p.Asn390Ser (NM_001145291.2); c.332A>G, p.Asn111Ser (NM_001145292.2, NM_001350154.3, NM_001379246.1 and 1 more transcripts); c.14A>G, p.Asn5Ser (NM_001350155.3); short protein forms N111S, N390S, N5S.
Identifiers: ClinVar variation 3366053 (VCV003366053.1).